The following is an entry in ClinVar:

NM_000124.4(ERCC6):c.3774dup (p.Ser1259fs)

Gene: ERCC6 (ERCC excision repair 6, chromatin remodeling factor; minus strand). Cytogenetic location: 10q11.23.
Variant type: Duplication.
Coding change: c.3774dup on transcript NM_000124.4 (MANE Select); coding-DNA position 3774, one base duplicated (A; older notation c.3774dupA).
Protein change: p.Ser1259fs; shifts the reading frame from serine 1259.
Molecular consequence: frameshift variant.
Genome position (GRCh38, 1-based): chr10:49,470,186, T duplicated on the plus strand (A on the coding strand, the reverse complement: ERCC6 is on the minus strand); the first of 6 consecutive T bases (chr10:49,470,186-49,470,191); duplicating any one gives the same sequence. VCF-style (leftmost placement, unchanged base first): chr10-49470185-A-AT. GRCh37 (hg19) VCF-style: chr10-50678231-A-AT.
Other names: c.3774dup, p.Ser1259fs (NM_001346440.2); short protein forms S1259fs.
Identifiers: ClinVar variation 4531463 (VCV004531463.1).
Genomic context (GRCh38, chr10:49,470,185, plus strand): 5'-CAGCCTACTCATTTTCTAATCCTAGCATCCCTGTGGCAAACGTATCAAATGGATTACCTG[A>AT]TTTTTTGAAAAGCTTTTCCAAAACATAATCGTCATTGCTCTGTTCCTTGGCCTCACTCTT-3'

ClinVar aggregate classification (germline): Pathogenic (1 of 4 stars; one submission).

Conditions:
Cockayne spectrum with or without cerebrooculofacioskeletal syndrome. Identifiers: MedGen CN315928, MONDO:0100506.

Submission:

Victorian Clinical Genetics Services, Murdoch Childrens Research Institute
Classification: Pathogenic for Cockayne spectrum with or without cerebrooculofacioskeletal syndrome. Last evaluated: 2025-01-12. Review status: criteria provided, single submitter. Criteria: ACMG Guidelines, 2015. Collection method: clinical testing. Allele origin: germline. Affected: yes.
Comment: This variant is classified as Pathogenic. Evidence in support of pathogenic classification: Variant is predicted to cause nonsense-mediated decay (NMD) and loss of protein (premature termination codon is located at least 54 nucleotides upstream of the final exon-exon junction); Variant is absent from gnomAD (v2, v3 and v4); This variant has limited previous evidence of pathogenicity in an unrelated individual(s) with Cockayne syndrome (PMID: 29217584); Other NMD-predicted variant(s) comparable to the one identified in this case have very strong previous evidence for pathogenicity (DECIPHER); Additional information: This variant is heterozygous; This gene is associated with both recessive and dominant disease. There is currently no clear genotype-phenotype correlation distinguishing between the autosomal recessive syndromes and autosomal dominant premature ovarian failure 11 (MIM#616946); No published segregation evidence has been identified for this variant; No published functional evidence has been identified for this variant; Loss of function is a known mechanism of disease in this gene and is associated with Cockayne spectrum with or without cerebrooculofacioskeletal syndrome (MONDO:0100506).

Literature cited by the submitters: PubMed 29217584.